The following is an entry in ClinVar:

NM_001267550.2(TTN):c.91272C>A (p.Asp30424Glu)

Genes: TTN-AS1 (TTN antisense RNA 1; plus strand), TTN (titin; minus strand). Cytogenetic location: 2q31.2.
Variant type: single nucleotide variant.
Coding change: c.91272C>A on transcript NM_001267550.2 (MANE Select); coding-DNA position 91272, C replaced by A.
Protein change: p.Asp30424Glu; replaces aspartic acid 30424 with glutamic acid.
Molecular consequence: missense variant.
Genome position (GRCh38, 1-based): chr2:178,551,259, G>T on the plus strand (C>A on the coding strand, the complement: TTN is on the minus strand). VCF-style: chr2-178551259-G-T. GRCh37 (hg19) VCF-style: chr2-179415986-G-T.
Other names: c.86349C>A, p.Asp28783Glu (NM_001256850.1); c.64077C>A, p.Asp21359Glu (NM_003319.4); c.83568C>A, p.Asp27856Glu (NM_133378.4); c.64452C>A, p.Asp21484Glu (NM_133432.3); c.64653C>A, p.Asp21551Glu (NM_133437.4); short protein forms D21359E, D21484E, D21551E, D27856E, D28783E, D30424E.
Identifiers: ClinVar variation 4077272 (VCV004077272.1).
Genomic context (GRCh38, chr2:178,551,259, plus strand): 5'-GTTCCATTTAAGTGTGATGGTTTCCCGGGTGACATCAATGTAGTCAGGAGTGCCAGGTGG[G>T]TCTAAAAAATTATAAGGAAGGTAAATGCATCATTACATTTGTAACCAGGTCTTAATCATC-3'
Protein context (NP_001254479.2, residues 30414-30434): SKFTLAVSPV[Asp30424Glu]PPGTPDYIDV

ClinVar aggregate classification (germline): Uncertain significance (1 of 4 stars; one submission).

gnomAD v4.1: 3 of 1,605,682 alleles (0.00019%); highest among the groups gnomAD compares: East Asian, 0.0022%; no homozygotes.

Submission:

GeneDx
Classification: Uncertain significance. Last evaluated: 2025-02-26. Review status: criteria provided, single submitter. Criteria: GeneDx Variant Classification Process June 2021. Collection method: clinical testing. Allele origin: germline. Affected: yes.
Comment: Not observed at significant frequency in large population cohorts (gnomAD); Missense variant in a gene in which most reported pathogenic variants are truncating/loss of function